The following is an entry in ClinVar:

NM_001105206.3(LAMA4):c.20G>C (p.Trp7Ser)

Genes: LAMA4 (laminin subunit alpha 4; minus strand), LAMA4-AS1 (LAMA4 antisense RNA 1; plus strand). Cytogenetic location: 6q21.
Variant type: single nucleotide variant.
Coding change: c.20G>C on transcript NM_001105206.3 (MANE Select); coding-DNA position 20, G replaced by C.
Protein change: p.Trp7Ser; replaces tryptophan 7 with serine.
Molecular consequence: missense variant.
Genome position (GRCh38, 1-based): chr6:112,254,131, C>G on the plus strand (G>C on the coding strand, the complement: LAMA4 is on the minus strand). VCF-style: chr6-112254131-C-G. GRCh37 (hg19) VCF-style: chr6-112575333-C-G.
Other names: c.20G>C, p.Trp7Ser (NM_001105207.3, NM_001105208.3, NM_001105209.3 and 1 more transcripts); short protein forms W7S.
Identifiers: ClinVar variation 1719763 (VCV001719763.5), dbSNP rs1554190577, ClinGen allele CA365519009.
Genomic context (GRCh38, chr6:112,254,131, plus strand): 5'-CCGGACGCGGCGCGGGAGCAGGCAGCGCTCCAGAGGAGCCACAGAGGCAGAACCGAGCGC[C>G]AGGCTGAGCTCAAAGCCATTTCTCCGCTGACATCCAGTAGTGCTCTTCCAGGGCTCGGGC-3'
Protein context (NP_001098676.2, residues 1-17): MALSSA[Trp7Ser]RSVLPLWLLW

ClinVar aggregate classification (germline): Uncertain significance (1 of 4 stars; one submission).

Conditions:
Dilated cardiomyopathy 1JJ (CMD1JJ). Identifiers: Orphanet 154, MedGen C3808935, MONDO:0014095, OMIM 615235.

Submission:

Labcorp Genetics (formerly Invitae), Labcorp
Classification: Uncertain significance for Dilated cardiomyopathy 1JJ. Last evaluated: 2022-09-19. Review status: criteria provided, single submitter. Criteria: Invitae Variant Classification Sherloc (09022015). Collection method: clinical testing. Allele origin: germline.
Comment: In summary, the available evidence is currently insufficient to determine the role of this variant in disease. Therefore, it has been classified as a Variant of Uncertain Significance. Algorithms developed to predict the effect of missense changes on protein structure and function are either unavailable or do not agree on the potential impact of this missense change (SIFT: "Deleterious"; PolyPhen-2: "Possibly Damaging"; Align-GVGD: "Class C0"). This variant has not been reported in the literature in individuals affected with LAMA4-related conditions. This variant is not present in population databases (gnomAD no frequency). This sequence change replaces tryptophan, which is neutral and slightly polar, with serine, which is neutral and polar, at codon 7 of the LAMA4 protein (p.Trp7Ser).